The following is an entry in ClinVar:

NM_001330260.2(SCN8A):c.1337C>T (p.Ala446Val)

Gene: SCN8A (sodium voltage-gated channel alpha subunit 8; plus strand). Cytogenetic location: 12q13.13.
Variant type: single nucleotide variant.
Coding change: c.1337C>T on transcript NM_001330260.2 (MANE Select); coding-DNA position 1337, C replaced by T.
Protein change: p.Ala446Val; replaces alanine 446 with valine.
Molecular consequence: missense variant.
Genome position (GRCh38, 1-based): chr12:51,705,619, C>T. VCF-style: chr12-51705619-C-T. GRCh37 (hg19) VCF-style: chr12-52099403-C-T.
Other names: c.1337C>T, p.Ala446Val (NM_001177984.3, NM_001369788.1, NM_014191.4); short protein forms A446V.
Identifiers: ClinVar variation 1878998 (VCV001878998.3), dbSNP rs1327671990, ClinGen allele CA385228553.

ClinVar aggregate classification (germline): Uncertain significance (1 of 4 stars; one submission).

Submission:

GeneDx
Classification: Uncertain significance. Last evaluated: 2024-04-09. Review status: criteria provided, single submitter. Criteria: GeneDx Variant Classification Process June 2021. Collection method: clinical testing. Allele origin: germline. Affected: yes.
Comment: Not observed at significant frequency in large population cohorts (gnomAD); In silico analysis supports that this missense variant has a deleterious effect on protein structure/function; This substitution is predicted to be in the cytoplasmic loop between the first and second homologous domains; Has not been previously published as pathogenic or benign to our knowledge